The following is an entry in ClinVar:

ClinVar aggregate classification (germline): Uncertain significance (1 of 4 stars; one submission).

Allele frequency attached by ClinVar (database versions not stated): gnomAD exomes below 0.00001; gnomAD 0.00001; TOPMed 0.00001.
gnomAD v4.1: 3 of 1,591,916 alleles (0.00019%); highest among the groups gnomAD compares: African/African-American, 0.004%; no homozygotes.

Submission:

Labcorp Genetics (formerly Invitae), Labcorp
Classification: Uncertain significance. Last evaluated: 2022-11-22. Review status: criteria provided, single submitter. Criteria: Invitae Variant Classification Sherloc (09022015). Collection method: clinical testing. Allele origin: germline.
Comment: Variants that disrupt the consensus splice site are a relatively common cause of aberrant splicing (PMID: 17576681, 9536098). Algorithms developed to predict the effect of sequence changes on RNA splicing suggest that this variant is not likely to affect RNA splicing. ClinVar contains an entry for this variant (Variation ID: 1426161). This variant has not been reported in the literature in individuals affected with PCLO-related conditions. This variant is present in population databases (no rsID available, gnomAD 0.008%). This sequence change falls in intron 12 of the PCLO gene. It does not directly change the encoded amino acid sequence of the PCLO protein. It affects a nucleotide within the consensus splice site. In summary, the available evidence is currently insufficient to determine the role of this variant in disease. Therefore, it has been classified as a Variant of Uncertain Significance.

Literature cited by the submitters: PubMed 17576681; PubMed 9536098.

NM_033026.6(PCLO):c.13831+5G>A

Gene: PCLO (piccolo presynaptic cytomatrix protein; minus strand). Cytogenetic location: 7q21.11.
Variant type: single nucleotide variant.
Coding change: c.13831+5G>A on transcript NM_033026.6 (MANE Select); 5 bases into the intron after coding-DNA position 13831, G replaced by A.
Molecular consequence: intron variant.
Genome position (GRCh38, 1-based): chr7:82,846,562, C>T on the plus strand (G>A on the coding strand, the complement: PCLO is on the minus strand). VCF-style: chr7-82846562-C-T. GRCh37 (hg19) VCF-style: chr7-82475878-C-T.
Other names: c.13831+5G>A (NM_014510.3).
Identifiers: ClinVar variation 1426161 (VCV001426161.6), dbSNP rs1215480742, ClinGen allele CA575823441.
Genomic context (GRCh38, chr7:82,846,562, plus strand): 5'-GCCTCTGCAATTACTTCTATTTCTATCTCTTTATTTACAGTTGAAACTAGATTTCTTTTA[C>T]CTACCAGCTTTTGGTGGCTCATGAAGTTCCAGATGCTGGGAATTTTCAGAATCTGATAGC-3'